The following is an entry in ClinVar:

NM_005349.4(RBPJ):c.-58+3A>C

Gene: RBPJ (recombination signal binding protein for immunoglobulin kappa J region; plus strand). Cytogenetic location: 4p15.2.
Variant type: single nucleotide variant.
Coding change: c.-58+3A>C on transcript NM_005349.4; 3 bases into the intron after 58 bases upstream of the start codon, A replaced by C.
Molecular consequence: intron variant.
Genome position (GRCh38, 1-based): chr4:26,319,891, A>C. VCF-style: chr4-26319891-A-C. GRCh37 (hg19) VCF-style: chr4-26321513-A-C.
Other names: c.-166-42555A>C (NM_001374401.1); c.-283+3A>C (NM_001379407.1); c.-58+3A>C (NM_001379408.1); c.-167+3A>C (NM_001379406.1); c.-47+3A>C (NM_203283.5); c.14+3A>C (NM_001379409.1); c.-58+121A>C (NM_001374400.1).
Identifiers: ClinVar variation 1695734 (VCV001695734.2), dbSNP rs1371194134, ClinGen allele CA550481775.

ClinVar aggregate classification (germline): Uncertain significance (1 of 4 stars; one submission).

Allele frequency attached by ClinVar (database versions not stated): gnomAD exomes below 0.00001.

Submission:

GeneDx
Classification: Uncertain significance. Last evaluated: 2022-01-06. Review status: criteria provided, single submitter. Criteria: GeneDx Variant Classification Process June 2021. Collection method: clinical testing. Allele origin: germline. Affected: yes.
Comment: In silico analysis supports a deleterious effect on splicing; Has not been previously published as pathogenic or benign to our knowledge